The following is an entry in ClinVar:

ClinVar aggregate classification (germline): Benign/Likely benign. Review status: criteria provided, multiple submitters, no conflicts (2 of 4 stars). 9 submissions from 9 submitters: Benign (2); Likely benign (4). 3 of the submissions do not count toward it. Last evaluated 2026-01-18.

Conditions:
Hereditary cancer-predisposing syndrome. Also called: Neoplastic Syndromes, Hereditary; Hereditary Cancer Syndrome; Tumor predisposition; Hereditary neoplastic syndrome. Identifiers: Orphanet 140162, MedGen C0027672, MeSH D009386, MONDO:0015356.
Rapadilino syndrome. Identifiers: Orphanet 3021, MedGen C1849453, MONDO:0009955, OMIM 266280.
Baller-Gerold syndrome (BGS). Also called: CRANIOSYNOSTOSIS WITH RADIAL DEFECTS. Identifiers: Orphanet 1225, MedGen C0265308, MONDO:0009039, OMIM 218600.
RECQL4-related disorder. Also called: RECQL4-related condition; RECQL4-related disorders.

Allele frequency attached by ClinVar (database versions not stated): gnomAD exomes 0.00020 and 0.00072; ExAC 0.00080; ESP Exome Variant Server 0.00084; 1000 Genomes Project 0.00200; 1000 Genomes Project 30x 0.00219; gnomAD 0.00219 and 0.00229.
gnomAD v4.1: 537 of 1,507,762 alleles (0.036%); highest among the groups gnomAD compares: African/African-American, 0.74%; 1 homozygote.

Submissions (9):

Labcorp Genetics (formerly Invitae), Labcorp
Classification: Benign for Baller-Gerold syndrome. Last evaluated: 2026-01-18. Review status: criteria provided, single submitter. Criteria: Invitae Variant Classification Sherloc (09022015). Collection method: clinical testing. Allele origin: germline.

KCCC/NGS Laboratory, Kuwait Cancer Control Center
Classification: Benign for Rapadilino syndrome. Last evaluated: 2025-02-01. Review status: criteria provided, single submitter. Criteria: ACMG Guidelines, 2015. Collection method: clinical testing. Allele origin: germline. Affected: no.

Blueprint Genetics
Classification: Likely benign. Last evaluated: 2024-10-07. Review status: criteria provided, single submitter. Criteria: ACMG Guidelines, 2015. Collection method: clinical testing. Allele origin: germline.

Sema4
Classification: Likely benign for Hereditary cancer-predisposing syndrome. Last evaluated: 2021-01-31. Review status: criteria provided, single submitter. Criteria: Sema4 Curation Guidelines. Collection method: curation. Allele origin: germline.

GeneDx
Classification: Likely benign. Last evaluated: 2020-12-17. Review status: criteria provided, single submitter. Criteria: GeneDx Variant Classification Process June 2021. Collection method: clinical testing. Allele origin: germline. Affected: yes.

Breakthrough Genomics
Classification: Likely benign. Review status: criteria provided, single submitter. Criteria: ACMG Guidelines, 2015. Collection method: not provided. Allele origin: germline. Inheritance: Autosomal recessive inheritance. Affected: yes.

PreventionGenetics, part of Exact Sciences
Classification: Benign for RECQL4-related condition. Last evaluated: 2019-07-09. Review status: no assertion criteria provided. Collection method: clinical testing. Allele origin: germline. Not counted in ClinVar's aggregate classification.
Comment: This variant is classified as benign based on ACMG/AMP sequence variant interpretation guidelines (Richards et al. 2015 PMID: 25741868, with internal and published modifications).

Clinical Genetics DNA and cytogenetics Diagnostics Lab, Erasmus MC, Erasmus Medical Center
Classification: Benign. Review status: no assertion criteria provided. Collection method: clinical testing. Allele origin: germline. Affected: yes. Study: VKGL Data-share Consensus. Not counted in ClinVar's aggregate classification.

Genome Diagnostics Laboratory, University Medical Center Utrecht
Classification: Likely benign. Review status: no assertion criteria provided. Collection method: clinical testing. Allele origin: germline. Affected: yes. Study: VKGL Data-share Consensus. Not counted in ClinVar's aggregate classification.

NM_004260.4(RECQL4):c.2463+6C>T

Gene: RECQL4 (RecQ like helicase 4; minus strand). Cytogenetic location: 8q24.3.
Variant type: single nucleotide variant.
Coding change: c.2463+6C>T on transcript NM_004260.4 (MANE Select); 6 bases into the intron after coding-DNA position 2463, C replaced by T.
Molecular consequence: intron variant.
Genome position (GRCh38, 1-based): chr8:144,513,212, G>A on the plus strand (C>T on the coding strand, the complement: RECQL4 is on the minus strand). VCF-style: chr8-144513212-G-A. GRCh37 (hg19) VCF-style: chr8-145738595-G-A.
Identifiers: ClinVar variation 239730 (VCV000239730.21), dbSNP rs35029361, ClinGen allele CA4948287.